The following is an entry in ClinVar:

ClinVar aggregate classification (germline): Uncertain significance (1 of 4 stars; one submission).

Submission:

GeneDx
Classification: Uncertain significance. Last evaluated: 2024-08-04. Review status: criteria provided, single submitter. Criteria: GeneDx Variant Classification Process June 2021. Collection method: clinical testing. Allele origin: germline. Affected: yes.
Comment: Not observed at significant frequency in large population cohorts (gnomAD); In silico analysis supports that this missense variant has a deleterious effect on protein structure/function; Has not been previously published as pathogenic or benign to our knowledge

NM_001170629.2(CHD8):c.206C>T (p.Pro69Leu)

Gene: CHD8 (chromodomain helicase DNA binding protein 8; minus strand). Cytogenetic location: 14q11.2.
Variant type: single nucleotide variant.
Coding change: c.206C>T on transcript NM_001170629.2 (MANE Select); coding-DNA position 206, C replaced by T.
Protein change: p.Pro69Leu; replaces proline 69 with leucine.
Molecular consequence: missense variant. On other transcripts: intron variant (1).
Genome position (GRCh38, 1-based): chr14:21,431,438, G>A on the plus strand (C>T on the coding strand, the complement: CHD8 is on the minus strand). VCF-style: chr14-21431438-G-A. GRCh37 (hg19) VCF-style: chr14-21899597-G-A.
Other names: c.6+373C>T (NM_020920.4); short protein forms P69L.
Identifiers: ClinVar variation 3603180 (VCV003603180.1).